The following is an entry in ClinVar:

ClinVar aggregate classification (germline): Likely benign. Review status: criteria provided, multiple submitters, no conflicts (2 of 4 stars). 3 submissions from 3 submitters: Likely benign (3). Last evaluated 2026-01-14.

Conditions:
LRP5-related disorder. Also called: LRP5-related condition.

Allele frequency attached by ClinVar (database versions not stated): gnomAD 0.00009 and 0.00013; TOPMed 0.00026; ESP Exome Variant Server 0.00031; ExAC 0.00036; gnomAD exomes 0.00037; 1000 Genomes Project 0.00080; 1000 Genomes Project 30x 0.00109.
gnomAD v4.1: 267 of 1,614,102 alleles (0.017%); highest among the groups gnomAD compares: East Asian, 0.23%; 1 homozygote.

Submissions (3):

Labcorp Genetics (formerly Invitae), Labcorp
Classification: Likely benign. Last evaluated: 2026-01-14. Review status: criteria provided, single submitter. Criteria: Invitae Variant Classification Sherloc (09022015). Collection method: clinical testing. Allele origin: germline.

PreventionGenetics, part of Exact Sciences
Classification: Likely benign for LRP5-related condition. Last evaluated: 2025-11-17. Review status: criteria provided, single submitter. Criteria: ACMG Guidelines, 2015. Collection method: clinical testing. Allele origin: germline.
Comment: This variant is classified as likely benign based on ACMG/AMP sequence variant interpretation guidelines (Richards et al. 2015 PMID: 25741868, with internal and published modifications).

Blueprint Genetics
Classification: Likely benign. Last evaluated: 2024-11-19. Review status: criteria provided, single submitter. Criteria: ACMG Guidelines, 2015. Collection method: clinical testing. Allele origin: germline.

NM_002335.4(LRP5):c.290C>T (p.Ala97Val)

Gene: LRP5 (LDL receptor related protein 5; plus strand). Cytogenetic location: 11q13.2.
Variant type: single nucleotide variant.
Coding change: c.290C>T on transcript NM_002335.4 (MANE Select); coding-DNA position 290, C replaced by T.
Protein change: p.Ala97Val; replaces alanine 97 with valine.
Molecular consequence: missense variant. On other transcripts: 5 prime UTR variant (1).
Genome position (GRCh38, 1-based): chr11:68,348,045, C>T. VCF-style: chr11-68348045-C-T. GRCh37 (hg19) VCF-style: chr11-68115513-C-T.
Other names: c.-1476C>T (NM_001291902.2); short protein forms A97V.
Identifiers: ClinVar variation 725036 (VCV000725036.13), dbSNP rs143433231, ClinGen allele CA6148953.